The following is an entry in ClinVar:

ClinVar aggregate classification (germline): Pathogenic (1 of 4 stars; one submission).

Submission:

GeneDx
Classification: Pathogenic. Last evaluated: 2023-10-02. Review status: criteria provided, single submitter. Criteria: GeneDx Variant Classification Process June 2021. Collection method: clinical testing. Allele origin: germline. Affected: yes.
Comment: Nonsense variant predicted to result in protein truncation or nonsense mediated decay in a gene for which loss of function is a known mechanism of disease; Not observed at significant frequency in large population cohorts (gnomAD); This variant is associated with the following publications: (PMID: 34971082, 27605097)

NM_013275.6(ANKRD11):c.1120G>T (p.Glu374Ter)

Gene: ANKRD11 (ankyrin repeat domain containing 11; minus strand). Cytogenetic location: 16q24.3.
Variant type: single nucleotide variant.
Coding change: c.1120G>T on transcript NM_013275.6 (MANE Select); coding-DNA position 1120, G replaced by T.
Protein change: p.Glu374Ter; replaces glutamic acid 374 with a stop codon.
Molecular consequence: nonsense.
Genome position (GRCh38, 1-based): chr16:89,285,422, C>A on the plus strand (G>T on the coding strand, the complement: ANKRD11 is on the minus strand). VCF-style: chr16-89285422-C-A. GRCh37 (hg19) VCF-style: chr16-89351830-C-A.
Other names: c.1120G>T, p.Glu374Ter (NM_001256182.2, NM_001256183.2); short protein forms E374*.
Identifiers: ClinVar variation 3252483 (VCV003252483.1), dbSNP rs2151765965.